The following is an entry in ClinVar:

NC_000003.12:g.169764734A>T

Genes: TERC (telomerase RNA component; minus strand), LOC110806306 (telomerase RNA component (TERC) promoter; plus strand). Cytogenetic location: 3q26.2.
Variant type: single nucleotide variant.
Genome position: GRCh38 VCF-style: chr3-169764734-A-T. GRCh37 (hg19) VCF-style: chr3-169482522-A-T.
Identifiers: ClinVar variation 1977073 (VCV001977073.5), dbSNP rs1337845154, ClinGen allele CA436715040.

ClinVar aggregate classification (germline): Uncertain significance (1 of 4 stars; one submission).

Conditions:
Dyskeratosis congenita, autosomal dominant 1 (DKCA1). Also called: Dyskeratosis congenita Scoggins type. Identifiers: Orphanet 1775, MedGen C4551974, MONDO:0007485, OMIM 127550. Inheritance: Variable.

Submission:

Labcorp Genetics (formerly Invitae), Labcorp
Classification: Uncertain significance for Dyskeratosis congenita, autosomal dominant 1. Last evaluated: 2022-11-22. Review status: criteria provided, single submitter. Criteria: Invitae Variant Classification Sherloc (09022015). Collection method: clinical testing. Allele origin: germline.
Comment: This variant occurs in the TERC gene, which encodes an RNA molecule that does not result in a protein product. The frequency data for this variant in the population databases is considered unreliable, as metrics indicate poor data quality at this position in the gnomAD database. This variant has not been reported in the literature in individuals affected with TERC-related conditions. This variant is located within the hypervariable region that is not conserved in the TERC RNA component (PMID: 10721988, 21844345). The functional significance of this region is not well understood. In summary, the available evidence is currently insufficient to determine the role of this variant in disease. Therefore, it has been classified as a Variant of Uncertain Significance.

Literature cited by the submitters: PubMed 10721988; PubMed 21844345.